The following is an entry in ClinVar:

ClinVar aggregate classification (germline): Uncertain significance (1 of 4 stars; one submission).

Conditions:
Surfactant metabolism dysfunction, pulmonary, 4 (SMDP4). Also called: PAP DUE TO CSF2RA DEFICIENCY; CSF2RA DEFICIENCY; PULMONARY ALVEOLAR PROTEINOSIS, CONGENITAL, 4. Identifiers: Orphanet 264675, MedGen C2677877, MONDO:0010424, OMIM 300770.

Allele frequency attached by ClinVar (database versions not stated): gnomAD exomes below 0.00001; ExAC 0.00001.
gnomAD v4.1: 4 of 1,613,670 alleles (0.00025%); highest among the groups gnomAD compares: Non-Finnish European, 0.00034%; no homozygotes.

Submission:

Labcorp Genetics (formerly Invitae), Labcorp
Classification: Uncertain significance for Surfactant metabolism dysfunction, pulmonary, 4. Last evaluated: 2022-06-04. Review status: criteria provided, single submitter. Criteria: Invitae Variant Classification Sherloc (09022015). Collection method: clinical testing. Allele origin: germline.
Comment: This sequence change replaces valine, which is neutral and non-polar, with alanine, which is neutral and non-polar, at codon 5 of the CSF2RA protein (p.Val5Ala). This variant is present in population databases (no rsID available, gnomAD 0.0009%). This variant has not been reported in the literature in individuals affected with CSF2RA-related conditions. ClinVar contains an entry for this variant (Variation ID: 1361006). Algorithms developed to predict the effect of missense changes on protein structure and function output the following: SIFT: "Tolerated"; PolyPhen-2: "Not Available"; Align-GVGD: "Class C0". The alanine amino acid residue is found in multiple mammalian species, which suggests that this missense change does not adversely affect protein function. In summary, the available evidence is currently insufficient to determine the role of this variant in disease. Therefore, it has been classified as a Variant of Uncertain Significance.

NM_172245.4(CSF2RA):c.14T>C (p.Val5Ala)

Gene: CSF2RA (colony stimulating factor 2 receptor subunit alpha; plus strand). Cytogenetic location: Xp22.33.
Variant type: single nucleotide variant.
Coding change: c.14T>C on transcript NM_172245.4 (MANE Select); coding-DNA position 14, T replaced by C.
Protein change: p.Val5Ala; replaces valine 5 with alanine.
Molecular consequence: missense variant. On other transcripts: 5 prime UTR variant (1), non-coding transcript variant (1).
Genome position (GRCh38, 1-based): chrX:1,282,717, T>C. VCF-style: chrX-1282717-T-C. GRCh37 (hg19) VCF-style: chrX-1401610-T-C.
Other names: c.14T>C, p.Val5Ala (NM_001161529.2, NM_001161530.2, NM_001161531.2 and 20 more transcripts); c.-243T>C (NM_001161532.2); short protein forms V5A.
Identifiers: ClinVar variation 1361006 (VCV001361006.3), dbSNP rs771435926, ClinGen allele CA10330605.